The following is an entry in ClinVar:

ClinVar aggregate classification (germline): Uncertain significance. Review status: criteria provided, multiple submitters, no conflicts (2 of 4 stars). 4 submissions from 4 submitters: Uncertain significance (4). Last evaluated 2024-10-25.

Conditions:
Retinitis pigmentosa 13 (RP13). Also called: PRPF 8-Related Retinitis Pigmentosa. Identifiers: Orphanet 791, MedGen C1838702, MONDO:0010806, OMIM 600059.
Retinitis pigmentosa (RP). Identifiers: Orphanet 791, MedGen C0035334, MeSH D012174, MONDO:0019200, OMIM 268000. Inheritance: Autosomal dominant, autosomal recessive and X linked inheritance.

Allele frequency attached by ClinVar (database versions not stated): TOPMed below 0.00001; ExAC 0.00001; gnomAD exomes 0.00001.
gnomAD v4.1: 9 of 1,614,040 alleles (0.00056%); highest among the groups gnomAD compares: Middle Eastern, 0.066%; no homozygotes.

Submissions (4):

Labcorp Genetics (formerly Invitae), Labcorp
Classification: Uncertain significance. Last evaluated: 2024-10-25. Review status: criteria provided, single submitter. Criteria: Invitae Variant Classification Sherloc (09022015). Collection method: clinical testing. Allele origin: germline.
Comment: This sequence change falls in intron 12 of the PRPF8 gene. It does not directly change the encoded amino acid sequence of the PRPF8 protein. It affects a nucleotide within the consensus splice site. This variant is present in population databases (rs774567975, gnomAD 0.006%). This variant has not been reported in the literature in individuals affected with PRPF8-related conditions. ClinVar contains an entry for this variant (Variation ID: 889127). Variants that disrupt the consensus splice site are a relatively common cause of aberrant splicing (PMID: 17576681, 9536098). Algorithms developed to predict the effect of sequence changes on RNA splicing suggest that this variant is not likely to affect RNA splicing. In summary, the available evidence is currently insufficient to determine the role of this variant in disease. Therefore, it has been classified as a Variant of Uncertain Significance.

Blueprint Genetics
Classification: Uncertain significance. Last evaluated: 2021-10-13. Review status: criteria provided, single submitter. Criteria: ACMG Guidelines, 2015. Collection method: clinical testing. Allele origin: germline.

DBGen Ocular Genomics
Classification: Uncertain significance for Retinitis pigmentosa 13. Last evaluated: 2021-06-21. Review status: criteria provided, single submitter. Criteria: ACMG Guidelines, 2015. Collection method: clinical testing. Allele origin: germline. Affected: yes. Observed: 1 variant allele.

Illumina Laboratory Services, Illumina
Classification: Uncertain significance for Retinitis pigmentosa. Last evaluated: 2018-01-13. Review status: criteria provided, single submitter. Criteria: ICSL Variant Classification Criteria 13 December 2019. Collection method: clinical testing. Allele origin: germline.

Literature cited by the submitters: PubMed 17576681 (cited by Labcorp Genetics (formerly Invitae), Labcorp); PubMed 9536098 (cited by Labcorp Genetics (formerly Invitae), Labcorp).

NM_006445.4(PRPF8):c.1719+4A>G

Gene: PRPF8 (pre-mRNA processing factor 8; minus strand). Cytogenetic location: 17p13.3.
Variant type: single nucleotide variant.
Coding change: c.1719+4A>G on transcript NM_006445.4 (MANE Select); 4 bases into the intron after coding-DNA position 1719, A replaced by G.
Molecular consequence: intron variant.
Genome position (GRCh38, 1-based): chr17:1,678,758, T>C on the plus strand (A>G on the coding strand, the complement: PRPF8 is on the minus strand). VCF-style: chr17-1678758-T-C. GRCh37 (hg19) VCF-style: chr17-1582052-T-C.
Identifiers: ClinVar variation 889127 (VCV000889127.12), dbSNP rs774567975, ClinGen allele CA8272278.